The following is an entry in ClinVar:

ClinVar aggregate classification (germline): Pathogenic/Likely pathogenic. Review status: criteria provided, multiple submitters, no conflicts (2 of 4 stars). 7 submissions from 7 submitters: Pathogenic (2); Likely pathogenic (2). 3 of the submissions do not count toward it. Last evaluated 2025-07-10.

Conditions:
Inborn genetic diseases. Identifiers: MedGen C0950123, MeSH D030342.
Right atrial isomerism (RAI). Also called: IVEMARK SYNDROME. Identifiers: Orphanet 97548, MedGen C3178806, MONDO:0008832, OMIM 208530, HP:0011536.
Heterotaxy. Also called: Situs ambiguus; Laterality sequence. Identifiers: Orphanet 157769, MedGen C0266642, HP:0030853.

Allele frequency attached by ClinVar (database versions not stated): gnomAD 0.00001; gnomAD exomes 0.00002 and 0.00062; TOPMed 0.00002.
gnomAD v4.1: 18 of 1,083,168 alleles (0.0017%); highest among the groups gnomAD compares: Middle Eastern, 0.042%; no homozygotes.

Submissions (7):

First Genomix Gene Laboratory, Genetic Diagnostics Department
Classification: Pathogenic for Right atrial isomerism. Last evaluated: 2025-07-10. Review status: criteria provided, single submitter. Criteria: ACMG Guidelines, 2015. Collection method: clinical testing. Allele origin: germline. Inheritance: Autosomal recessive inheritance. Affected: no. Observed: 1 variant allele.

3billion
Classification: Likely pathogenic for Right atrial isomerism. Last evaluated: 2024-02-14. Review status: criteria provided, single submitter. Criteria: ACMG Guidelines, 2015. Collection method: clinical testing. Allele origin: germline. Affected: yes.
Comment: The variant is observed at an extremely low frequency in the gnomAD v2.1.1 dataset (total allele frequency: 0.007%). Predicted Consequence/Location: Stop-gained (nonsense): predicted to result in a loss or disruption of normal protein function through protein truncation. The predicted truncated protein may be shortened by more than 10%. The variant has been reported at least twice as pathogenic without evidence for the classification (ClinVar ID: VCV000985628 /PMID: 32144877). Therefore, this variant is classified as Likely pathogenic according to the recommendation of ACMG/AMP guideline.

Labcorp Genetics (formerly Invitae), Labcorp
Classification: Pathogenic. Last evaluated: 2023-05-29. Review status: criteria provided, single submitter. Criteria: Invitae Variant Classification Sherloc (09022015). Collection method: clinical testing. Allele origin: germline.
Comment: For these reasons, this variant has been classified as Pathogenic. This variant disrupts a region of the GDF1 protein in which other variant(s) (p.Val304Argfs*48) have been determined to be pathogenic (PMID: 20413652). This suggests that this is a clinically significant region of the protein, and that variants that disrupt it are likely to be disease-causing. ClinVar contains an entry for this variant (Variation ID: 985628). This premature translational stop signal has been observed in individual(s) with heterotaxy syndrome (PMID: 32144877). The frequency data for this variant in the population databases is considered unreliable, as metrics indicate poor data quality at this position in the gnomAD database. This sequence change creates a premature translational stop signal (p.Trp203*) in the GDF1 gene. While this is not anticipated to result in nonsense mediated decay, it is expected to disrupt the last 170 amino acid(s) of the GDF1 protein.

Ambry Genetics
Classification: Likely pathogenic for Inborn genetic diseases. Last evaluated: 2018-04-04. Review status: criteria provided, single submitter. Criteria: Ambry exome assertion method (8-5-2015). Collection method: clinical testing. Allele origin: germline. Affected: yes. Observed: 1 variant allele.

Pediatric Genetics Clinic, Sheba Medical Center
Classification: Pathogenic for Heterotaxy. Last evaluated: 2021-04-24. Review status: no assertion criteria provided. Collection method: research. Allele origin: inherited. Affected: yes. Observed: 3 variant alleles. Clinical features observed: Transposition of the great arteries, Pulmonary valve atresia, Unbalanced atrioventricular canal defect, Double outlet right ventricle. Not counted in ClinVar's aggregate classification.

Clinical Genetics DNA and cytogenetics Diagnostics Lab, Erasmus MC, Erasmus Medical Center
Classification: Pathogenic. Review status: no assertion criteria provided. Collection method: clinical testing. Allele origin: germline. Affected: yes. Study: VKGL Data-share Consensus. Not counted in ClinVar's aggregate classification.

Joint Genome Diagnostic Labs from Nijmegen and Maastricht, Radboudumc and MUMC+
Classification: Pathogenic. Review status: no assertion criteria provided. Collection method: clinical testing. Allele origin: germline. Affected: yes. Study: VKGL Data-share Consensus. Not counted in ClinVar's aggregate classification.

Literature cited by the submitters: PubMed 32144877 (cited by 3billion and Labcorp Genetics (formerly Invitae), Labcorp); PubMed 20413652 (cited by Labcorp Genetics (formerly Invitae), Labcorp); PubMed 17924340 (cited by Ambry Genetics).

NM_001492.6(GDF1):c.608G>A (p.Trp203Ter)

Genes: CERS1 (ceramide synthase 1; minus strand), GDF1 (growth differentiation factor 1; minus strand). Cytogenetic location: 19p13.11.
Variant type: single nucleotide variant.
Coding change: c.608G>A on transcript NM_001492.6 (MANE Select); coding-DNA position 608, G replaced by A.
Protein change: p.Trp203Ter; replaces tryptophan 203 with a stop codon.
Molecular consequence: nonsense. On other transcripts: 3 prime UTR variant (2).
Genome position (GRCh38, 1-based): chr19:18,869,108, C>T on the plus strand (G>A on the coding strand, the complement: GDF1 is on the minus strand). VCF-style: chr19-18869108-C-T. GRCh37 (hg19) VCF-style: chr19-18979917-C-T.
Other names: c.*1469G>A (NM_001387440.1); c.*877G>A (NM_021267.5); c.608G>A, p.Trp203Ter (NM_001387438.1); short protein forms W203*.
Identifiers: ClinVar variation 985628 (VCV000985628.12), dbSNP rs1359321518, ClinGen allele CA404862787.